The following is an entry in ClinVar:

NM_006766.5(KAT6A):c.2752G>T (p.Glu918Ter)

Gene: KAT6A (lysine acetyltransferase 6A; minus strand). Cytogenetic location: 8p11.21.
Variant type: single nucleotide variant.
Coding change: c.2752G>T on transcript NM_006766.5 (MANE Select); coding-DNA position 2752, G replaced by T.
Protein change: p.Glu918Ter; replaces glutamic acid 918 with a stop codon.
Molecular consequence: nonsense.
Genome position (GRCh38, 1-based): chr8:41,941,129, C>A on the plus strand (G>T on the coding strand, the complement: KAT6A is on the minus strand). VCF-style: chr8-41941129-C-A. GRCh37 (hg19) VCF-style: chr8-41798647-C-A.
Other names: short protein forms E918*.
Identifiers: ClinVar variation 5018637 (VCV005018637.2).
Genomic context (GRCh38, chr8:41,941,129, plus strand): 5'-TCTTGGGAAGGTCAGGTTTCCCGTCCTGGCTTGGCTGCTCCTCAGAAGCCACCAGCTGTT[C>A]TTCACTTTCAGTGTATTGTTCCTGGGTGGCTTCTGATTTCTCCCCACATTCTCCATATTG-3'

ClinVar aggregate classification (germline): Likely pathogenic (1 of 4 stars; one submission).

Conditions:
Autosomal dominant intellectual disability-craniofacial anomalies-cardiac defects syndrome (ARTHS). Also called: Mental retardation, autosomal dominant 32; KAT6A syndrome; Arboleda-Tham syndrome. Identifiers: Orphanet 457193, MedGen C4225396, MONDO:0014558, OMIM 616268.

Submission:

Juno Genomics, Hangzhou Juno Genomics, Inc
Classification: Likely pathogenic for Autosomal dominant intellectual disability-craniofacial anomalies-cardiac defects syndrome. Review status: criteria provided, single submitter. Criteria: ACMG Guidelines, 2015. Collection method: clinical testing. Allele origin: germline.
Comment: Absent from controls (or at extremely low frequency if recessive) in Genome Aggregation Database.;Null variant in a gene where loss of function (LOF) is a known mechanism of disease.